The following is an entry in ClinVar:

NC_000004.11:g.(?_151814184)_(151814321_?)del

Gene: LRBA (LPS responsive beige-like anchor protein; minus strand). Cytogenetic location: 4q31.3.
Variant type: Deletion.
Identifiers: ClinVar variation 1419646 (VCV001419646.6).

ClinVar aggregate classification (germline): Pathogenic (1 of 4 stars; one submission).

Conditions:
Combined immunodeficiency due to LRBA deficiency. Also called: Common variable immunodeficiency 8, with autoimmunity. Identifiers: Orphanet 445018, MedGen C3553512, MONDO:0013863, OMIM 614700.

Submission:

Labcorp Genetics (formerly Invitae), Labcorp
Classification: Pathogenic for Combined immunodeficiency due to LRBA deficiency. Last evaluated: 2021-01-19. Review status: criteria provided, single submitter. Criteria: Invitae Variant Classification Sherloc (09022015). Collection method: clinical testing. Allele origin: germline.
Comment: This variant is a gross deletion of the genomic region encompassing exon(s) 17 of the LRBA gene. This deletion is out-of-frame, and is expected to create a premature translational stop signal and result in an absent or disrupted protein product. Loss-of-function variants in LRBA are known to be pathogenic (PMID: 26206937, 26768763). This variant has not been reported in the literature in individuals with LRBA-related conditions. For these reasons, this variant has been classified as Pathogenic.

Literature cited by the submitters: PubMed 26206937; PubMed 26768763.